The following is an entry in ClinVar:

NM_001277115.2(DNAH11):c.13028C>T (p.Ser4343Phe)

Gene: DNAH11 (dynein axonemal heavy chain 11; plus strand). Cytogenetic location: 7p15.3.
Variant type: single nucleotide variant.
Coding change: c.13028C>T on transcript NM_001277115.2 (MANE Select); coding-DNA position 13028, C replaced by T.
Protein change: p.Ser4343Phe; replaces serine 4343 with phenylalanine.
Molecular consequence: missense variant.
Genome position (GRCh38, 1-based): chr7:21,894,978, C>T. VCF-style: chr7-21894978-C-T. GRCh37 (hg19) VCF-style: chr7-21934596-C-T.
Other names: short protein forms S4343F.
Identifiers: ClinVar variation 4745701 (VCV004745701.1).

ClinVar aggregate classification (germline): Uncertain significance (1 of 4 stars; one submission).

Conditions:
Primary ciliary dyskinesia. Also called: Ciliary dyskinesia. Identifiers: Orphanet 244, MedGen C0008780, MONDO:0016575, HP:0012265.

Submission:

Labcorp Genetics (formerly Invitae), Labcorp
Classification: Uncertain significance for Primary ciliary dyskinesia. Last evaluated: 2025-04-13. Review status: criteria provided, single submitter. Criteria: Invitae Variant Classification Sherloc (09022015). Collection method: clinical testing. Allele origin: germline.
Comment: This sequence change replaces serine, which is neutral and polar, with phenylalanine, which is neutral and non-polar, at codon 4343 of the DNAH11 protein (p.Ser4343Phe). This variant is not present in population databases (gnomAD no frequency). This variant has not been reported in the literature in individuals affected with DNAH11-related conditions. Invitae Evidence Modeling of protein sequence and biophysical properties (such as structural, functional, and spatial information, amino acid conservation, physicochemical variation, residue mobility, and thermodynamic stability) has been performed for this missense variant. However, the output from this modeling did not meet the statistical confidence thresholds required to predict the impact of this variant on DNAH11 protein function. Algorithms developed to predict the effect of sequence changes on RNA splicing suggest that this variant may disrupt the consensus splice site. In summary, the available evidence is currently insufficient to determine the role of this variant in disease. Therefore, it has been classified as a Variant of Uncertain Significance.